The following is an entry in ClinVar:

NM_170784.3(MKKS):c.1511G>A (p.Ser504Asn)

Gene: MKKS (MKKS centrosomal shuttling protein; minus strand). Cytogenetic location: 20p12.2.
Variant type: single nucleotide variant.
Coding change: c.1511G>A on transcript NM_170784.3 (MANE Select); coding-DNA position 1511, G replaced by A.
Protein change: p.Ser504Asn; replaces serine 504 with asparagine.
Molecular consequence: missense variant. On other transcripts: non-coding transcript variant (1).
Genome position (GRCh38, 1-based): chr20:10,405,449, C>T on the plus strand (G>A on the coding strand, the complement: MKKS is on the minus strand). VCF-style: chr20-10405449-C-T. GRCh37 (hg19) VCF-style: chr20-10386097-C-T.
Other names: c.1511G>A, p.Ser504Asn (NM_018848.3); short protein forms S504N.
Identifiers: ClinVar variation 1041520 (VCV001041520.9), dbSNP rs776107451, ClinGen allele CA9763464.

ClinVar aggregate classification (germline): Uncertain significance. Review status: criteria provided, multiple submitters, no conflicts (2 of 4 stars). 4 submissions from 4 submitters: Uncertain significance (3). 1 of the submissions does not count toward it. Last evaluated 2024-02-15.

Conditions:
Bardet-Biedl syndrome (BBS). Identifiers: Orphanet 110, MedGen C0752166, MONDO:0015229.
McKusick-Kaufman syndrome (MKKS). Also called: HYDROMETROCOLPOS SYNDROME; HYDROMETROCOLPOS, POSTAXIAL POLYDACTYLY, AND CONGENITAL HEART MALFORMATION. Identifiers: Orphanet 2473, MedGen C0948368, MONDO:0009367, OMIM 236700.
MKKS-related disorder. Also called: MKKS-related condition; MKKS-related disorders.
Bardet-Biedl syndrome 6 (BBS6). Identifiers: Orphanet 110, MedGen C1858054, MONDO:0011523, OMIM 605231.

Allele frequency attached by ClinVar (database versions not stated): gnomAD exomes 0.00001; ExAC 0.00002; TOPMed 0.00002; gnomAD 0.00004.

Submissions (4):

Fulgent Genetics
Classification: Uncertain significance for McKusick-Kaufman syndrome; Bardet-Biedl syndrome 6. Last evaluated: 2024-02-15. Review status: criteria provided, single submitter. Criteria: ACMG Guidelines, 2015. Collection method: clinical testing. Allele origin: germline.

Blueprint Genetics
Classification: Uncertain significance. Last evaluated: 2022-09-09. Review status: criteria provided, single submitter. Criteria: ACMG Guidelines, 2015. Collection method: clinical testing. Allele origin: germline.

Labcorp Genetics (formerly Invitae), Labcorp
Classification: Uncertain significance for McKusick-Kaufman syndrome; Bardet-Biedl syndrome. Last evaluated: 2022-01-07. Review status: criteria provided, single submitter. Criteria: Invitae Variant Classification Sherloc (09022015). Collection method: clinical testing. Allele origin: germline.
Comment: This sequence change replaces serine, which is neutral and polar, with asparagine, which is neutral and polar, at codon 504 of the MKKS protein (p.Ser504Asn). This variant is present in population databases (rs776107451, gnomAD 0.004%). This variant has not been reported in the literature in individuals affected with MKKS-related conditions. ClinVar contains an entry for this variant (Variation ID: 1041520). Algorithms developed to predict the effect of missense changes on protein structure and function output the following: SIFT: "Deleterious"; PolyPhen-2: "Benign"; Align-GVGD: "Class C0". The asparagine amino acid residue is found in multiple mammalian species, which suggests that this missense change does not adversely affect protein function. In summary, the available evidence is currently insufficient to determine the role of this variant in disease. Therefore, it has been classified as a Variant of Uncertain Significance.

PreventionGenetics, part of Exact Sciences
Classification: Uncertain significance for MKKS-related condition. Last evaluated: 2024-01-16. Review status: no assertion criteria provided. Collection method: clinical testing. Allele origin: germline. Not counted in ClinVar's aggregate classification.
Comment: The MKKS c.1511G>A variant is predicted to result in the amino acid substitution p.Ser504Asn. To our knowledge, this variant has not been reported in the literature. This variant is reported in 0.0040% of alleles in individuals of African descent in gnomAD. At this time, the clinical significance of this variant is uncertain due to the absence of conclusive functional and genetic evidence.